The following is an entry in ClinVar:

ClinVar aggregate classification (germline): Pathogenic (1 of 4 stars; one submission).

Conditions:
Fanconi anemia complementation group A (FANCA). Also called: Fanconi anemia, group A; FANCA-Related Fanconi Anemia. Identifiers: Orphanet 84, MedGen C3469521, MONDO:0009215, OMIM 227650.

Submission:

Myriad Genetics, Inc.
Classification: Pathogenic for Fanconi anemia complementation group A. Last evaluated: 2025-09-20. Review status: criteria provided, single submitter. Criteria: Myriad Autosomal Dominant, Autosomal Recessive and X-Linked Classification Criteria (2023). Collection method: clinical testing. Allele origin: unknown.
Comment: NM_000135.2(FANCA):c.2567T>A(L856*) is expected to be pathogenic in the context of Fanconi anemia complementation group A. This variant is predicted to lead to an abnormal or absent protein product due to the creation of a premature termination codon in FANCA, a gene where loss-of-function variants are known to be pathogenic. Please note: this variant was assessed in the context of healthy population screening.

NM_000135.4(FANCA):c.2567T>A (p.Leu856Ter)

Gene: FANCA (FA complementation group A; minus strand). Cytogenetic location: 16q24.3.
Variant type: single nucleotide variant.
Coding change: c.2567T>A on transcript NM_000135.4 (MANE Select); coding-DNA position 2567, T replaced by A.
Protein change: p.Leu856Ter; replaces leucine 856 with a stop codon.
Molecular consequence: nonsense.
Genome position (GRCh38, 1-based): chr16:89,767,175, A>T on the plus strand (T>A on the coding strand, the complement: FANCA is on the minus strand). VCF-style: chr16-89767175-A-T. GRCh37 (hg19) VCF-style: chr16-89833583-A-T.
Other names: c.2567T>A, p.Leu856Ter (NM_001286167.3); short protein forms L856*.
Identifiers: ClinVar variation 5014998 (VCV005014998.1).
Genomic context (GRCh38, chr16:89,767,175, plus strand): 5'-GAAAAATAGGAAAAGAGTGAACCTACCTTTTTAATAAGGCCTGGAGATAAGCAGCTGCAC[A>T]AAGTATCTCGTGACTGGGAAGAAAACTTGCAGAGAGAGTAAGAAATTGCTGCTGTACAAA-3'